The following is an entry in ClinVar:

ClinVar aggregate classification (germline): Likely benign (1 of 4 stars; one submission).

Allele frequency attached by ClinVar (database versions not stated): gnomAD 0.00001; TOPMed 0.00001.
gnomAD v4.1: 18 of 1,554,930 alleles (0.0012%); highest among the groups gnomAD compares: Admixed American, 0.002%; no homozygotes.

Submission:

CeGaT Center for Human Genetics Tuebingen
Classification: Likely benign. Last evaluated: 2023-09-01. Review status: criteria provided, single submitter. Criteria: CeGaT Center For Human Genetics Tuebingen Variant Classification Criteria Version 2. Collection method: clinical testing. Allele origin: germline. Affected: yes. Observed: 1 variant allele.
Comment: PSMC3: BP4, BP7

NM_002804.5(PSMC3):c.18T>C (p.Asn6=)

Genes: PSMC3 (proteasome 26S subunit, ATPase 3; minus strand), LOC130005677 (ATAC-STARR-seq lymphoblastoid active region 4699; plus strand). Cytogenetic location: 11p11.2.
Variant type: single nucleotide variant.
Coding change: c.18T>C on transcript NM_002804.5 (MANE Select); coding-DNA position 18, T replaced by C.
Protein change: p.Asn6=; no amino-acid change (asparagine 6 retained).
Molecular consequence: synonymous variant.
Genome position (GRCh38, 1-based): chr11:47,426,262, A>G on the plus strand (T>C on the coding strand, the complement: PSMC3 is on the minus strand). VCF-style: chr11-47426262-A-G. GRCh37 (hg19) VCF-style: chr11-47447813-A-G.
Identifiers: ClinVar variation 2582894 (VCV002582894.25), dbSNP rs1040358479, ClinGen allele CA221703120.